The following is an entry in ClinVar:

ClinVar aggregate classification (germline): Uncertain significance. Review status: criteria provided, single submitter (1 of 4 stars). 2 submissions from 2 submitters: Uncertain significance (1). 1 of the submissions does not count toward it. Last evaluated 2023-08-29.

Conditions:
Ovarian neoplasm. Also called: Ovarian tumor; Neoplasm of ovary; Ovarian Neoplasms. Identifiers: MedGen C0919267, MeSH D010051, MONDO:0021068, HP:0100615.

Submissions (2):

Ophthalmic Genetics Group, Institute of Molecular and Clinical Ophthalmology Basel
Classification: Uncertain significance for Neoplasm of ovary. Last evaluated: 2023-08-29. Review status: criteria provided, single submitter. Criteria: ACMG Guidelines, 2015. Collection method: curation. Allele origin: unknown.
Comment: Clinical significance based on ACMG v2.0

This variant was classified as Uncertain significance based on ACMG criteria: PM2 and PP3.

Department of Zoology Govt. MVM College
Classification: Likely pathogenic for Neoplasm of ovary. Review status: no assertion criteria provided. Collection method: not provided. Allele origin: unknown. Not counted in ClinVar's aggregate classification.
Comment: KM276954;KM276959
ClinVar note: Converted during submission from probable-pathogenic to Likely pathogenic.

NC_012920.1(MT-TT):m.15890C>A

Gene: MT-TT (mitochondrially encoded tRNA threonine; plus strand).
Variant type: single nucleotide variant.
Genome position: chrM-15890-C-A.
Identifiers: ClinVar variation 143901 (VCV000143901.3), dbSNP rs527236196, ClinGen allele CA170531.